The following is an entry in ClinVar:

NM_017637.6(BNC2):c.694C>T (p.Arg232Cys)

Gene: BNC2 (basonuclin zinc finger protein 2; minus strand). Cytogenetic location: 9p22.3.
Variant type: single nucleotide variant.
Coding change: c.694C>T on transcript NM_017637.6 (MANE Select); coding-DNA position 694, C replaced by T.
Protein change: p.Arg232Cys; replaces arginine 232 with cysteine.
Molecular consequence: missense variant.
Genome position (GRCh38, 1-based): chr9:16,437,500, G>A on the plus strand (C>T on the coding strand, the complement: BNC2 is on the minus strand). VCF-style: chr9-16437500-G-A. GRCh37 (hg19) VCF-style: chr9-16437498-G-A.
Other names: c.568C>T, p.Arg190Cys (NM_001317939.2); c.409C>T, p.Arg137Cys (NM_001317940.2); short protein forms R137C, R190C, R232C.
Identifiers: ClinVar variation 3022622 (VCV003022622.3), dbSNP rs1261443116, ClinGen allele CA372995710.

ClinVar aggregate classification (germline): Uncertain significance (1 of 4 stars; one submission).

Allele frequency attached by ClinVar (database versions not stated): TOPMed 0.00002; gnomAD 0.00001; gnomAD exomes 0.00001.

Submission:

Labcorp Genetics (formerly Invitae), Labcorp
Classification: Uncertain significance. Last evaluated: 2025-10-13. Review status: criteria provided, single submitter. Criteria: Invitae Variant Classification Sherloc (09022015). Collection method: clinical testing. Allele origin: germline.
Comment: This sequence change replaces arginine, which is basic and polar, with cysteine, which is neutral and slightly polar, at codon 232 of the BNC2 protein (p.Arg232Cys). This variant is present in population databases (no rsID available, gnomAD 0.003%). This variant has not been reported in the literature in individuals affected with BNC2-related conditions. ClinVar contains an entry for this variant (Variation ID: 3022622). An algorithm developed to predict the effect of missense changes on protein structure and function (PolyPhen-2) suggests that this variant is likely to be disruptive. In summary, the available evidence is currently insufficient to determine the role of this variant in disease. Therefore, it has been classified as a Variant of Uncertain Significance.